The following is an entry in ClinVar:

NM_001184880.2(PCDH19):c.2202C>T (p.Ser734=)

Gene: PCDH19 (protocadherin 19; minus strand). Cytogenetic location: Xq22.1.
Variant type: single nucleotide variant.
Coding change: c.2202C>T on transcript NM_001184880.2 (MANE Select); coding-DNA position 2202, C replaced by T.
Protein change: p.Ser734=; no amino-acid change (serine 734 retained).
Molecular consequence: synonymous variant. On other transcripts: intron variant (2).
Genome position (GRCh38, 1-based): chrX:100,403,610, G>A on the plus strand (C>T on the coding strand, the complement: PCDH19 is on the minus strand). VCF-style: chrX-100403610-G-A. GRCh37 (hg19) VCF-style: chrX-99658608-G-A.
Other names: c.2148-759C>T (NM_020766.3, NM_001105243.2).
Identifiers: ClinVar variation 2124098 (VCV002124098.4), dbSNP rs2520963534, ClinGen allele CA517702496.

ClinVar aggregate classification (germline): Uncertain significance (1 of 4 stars; one submission).

Conditions:
Developmental and epileptic encephalopathy, 9 (DEE9). Also called: Early infantile epileptic encephalopathy 9; JUBERG-HELLMAN SYNDROME; PCDH19-Related X-Linked Female-Limited Epilepsy with Mental Retardation; EPILEPSY, FEMALE-RESTRICTED, WITH MENTAL RETARDATION. Identifiers: Orphanet 101039, Orphanet 2076, MedGen C1848137, MONDO:0010246, OMIM 300088. Disease mechanism: loss of function.

Submission:

Labcorp Genetics (formerly Invitae), Labcorp
Classification: Uncertain significance for Developmental and epileptic encephalopathy, 9. Last evaluated: 2023-11-27. Review status: criteria provided, single submitter. Criteria: Invitae Variant Classification Sherloc (09022015). Collection method: clinical testing. Allele origin: germline.
Comment: This sequence change affects codon 734 of the PCDH19 mRNA. It is a 'silent' change, meaning that it does not change the encoded amino acid sequence of the PCDH19 protein. This variant is not present in population databases (gnomAD no frequency). This variant has not been reported in the literature in individuals affected with PCDH19-related conditions. ClinVar contains an entry for this variant (Variation ID: 2124098). Algorithms developed to predict the effect of sequence changes on RNA splicing suggest that this variant may disrupt the consensus splice site. In summary, the available evidence is currently insufficient to determine the role of this variant in disease. Therefore, it has been classified as a Variant of Uncertain Significance.